The following is an entry in ClinVar:

ClinVar aggregate classification (germline): Uncertain significance (1 of 4 stars; one submission).

Conditions:
Short-rib thoracic dysplasia 11 with or without polydactyly (SRTD11). Also called: SHORT-RIB THORACIC DYSPLASIA 11 WITHOUT POLYDACTYLY. Identifiers: Orphanet 474, Orphanet 93271, MedGen C3810200, MONDO:0014287, OMIM 615633.

Allele frequency attached by ClinVar (database versions not stated): gnomAD exomes below 0.00001; ExAC 0.00001.
gnomAD v4.1: 5 of 1,613,618 alleles (0.00031%); highest among the groups gnomAD compares: South Asian, 0.0055%; no homozygotes.

Submission:

Labcorp Genetics (formerly Invitae), Labcorp
Classification: Uncertain significance for Short-rib thoracic dysplasia 11 with or without polydactyly. Last evaluated: 2022-04-17. Review status: criteria provided, single submitter. Criteria: Invitae Variant Classification Sherloc (09022015). Collection method: clinical testing. Allele origin: germline.
Comment: In summary, the available evidence is currently insufficient to determine the role of this variant in disease. Therefore, it has been classified as a Variant of Uncertain Significance. Algorithms developed to predict the effect of missense changes on protein structure and function (SIFT, PolyPhen-2, Align-GVGD) all suggest that this variant is likely to be disruptive. This variant has not been reported in the literature in individuals affected with WDR34-related conditions. This variant is present in population databases (rs752608993, gnomAD 0.003%). This sequence change replaces alanine, which is neutral and non-polar, with valine, which is neutral and non-polar, at codon 499 of the WDR34 protein (p.Ala499Val).

NM_052844.4(DYNC2I2):c.1496C>T (p.Ala499Val)

Gene: DYNC2I2 (dynein 2 intermediate chain 2; minus strand). Cytogenetic location: 9q34.11.
Variant type: single nucleotide variant.
Coding change: c.1496C>T on transcript NM_052844.4 (MANE Select); coding-DNA position 1496, C replaced by T.
Protein change: p.Ala499Val; replaces alanine 499 with valine.
Molecular consequence: missense variant.
Genome position (GRCh38, 1-based): chr9:128,633,859, G>A on the plus strand (C>T on the coding strand, the complement: DYNC2I2 is on the minus strand). VCF-style: chr9-128633859-G-A. GRCh37 (hg19) VCF-style: chr9-131396138-G-A.
Other names: short protein forms A499V.
Identifiers: ClinVar variation 1953124 (VCV001953124.5), dbSNP rs752608993, ClinGen allele CA5266170.
Genomic context (GRCh38, chr9:128,633,859, plus strand): 5'-TGTTCCGTGAACTCTGTGCTCAGCTGCCACACCTTCACTGTGCCCTGGGCATCGCCCGCA[G>A]CCAAGAGCTGAGTCTGCTGGCTGTTGAACTCCAGACAGTAGACAGGGCTTTCATCCTGGG-3'
Protein context (NP_443076.2, residues 489-509): EFNSQQTQLL[Ala499Val]AGDAQGTVKV